The following is an entry in ClinVar:

ClinVar aggregate classification (germline): Likely benign (1 of 4 stars; one submission).

Allele frequency attached by ClinVar (database versions not stated): gnomAD 0.02006 and 0.02145; TOPMed 0.02334; 1000 Genomes Project 30x 0.04029; 1000 Genomes Project 0.04253.
gnomAD v4.1: 3,321 of 151,040 alleles (2.2%); highest among the groups gnomAD compares: East Asian, 8.3%; 70 homozygotes.

Submission:

GeneDx
Classification: Likely benign. Last evaluated: 2018-06-14. Review status: criteria provided, single submitter. Criteria: GeneDx Variant Classification (06012015). Collection method: clinical testing. Allele origin: germline. Affected: yes.
Comment: This variant is considered likely benign or benign based on one or more of the following criteria: it is a conservative change, it occurs at a poorly conserved position in the protein, it is predicted to be benign by multiple in silico algorithms, and/or has population frequency not consistent with disease.

NM_000138.5(FBN1):c.4460-262G>A

Gene: FBN1 (fibrillin 1; minus strand). Cytogenetic location: 15q21.1.
Variant type: single nucleotide variant.
Coding change: c.4460-262G>A on transcript NM_000138.5 (MANE Select); 262 bases into the intron before coding-DNA position 4460, G replaced by A.
Molecular consequence: intron variant.
Genome position (GRCh38, 1-based): chr15:48,468,796, C>T on the plus strand (G>A on the coding strand, the complement: FBN1 is on the minus strand). VCF-style: chr15-48468796-C-T. GRCh37 (hg19) VCF-style: chr15-48760993-C-T.
Identifiers: ClinVar variation 668562 (VCV000668562.1), dbSNP rs148432944, ClinGen allele CA14170172.
Genomic context (GRCh38, chr15:48,468,796, plus strand): 5'-CCAGAACACATTTACCATTCAAATTTGTCATCAGGATAAAATATAACTTTGGGCCGGGCA[C>T]GGTGGCTCACGCCTGTAATCCCAGCACTTTGGGAGGCCGAGGCAGGCAGATCACGAGGTC-3'